The following is an entry in ClinVar:

ClinVar aggregate classification (germline): Uncertain significance. Review status: criteria provided, multiple submitters, no conflicts (2 of 4 stars). 2 submissions from 2 submitters: Uncertain significance (2). Last evaluated 2023-09-01.

Conditions:
Hereditary breast ovarian cancer syndrome. Also called: Hereditary breast and ovarian cancer; Hereditary breast and ovarian cancer syndrome (HBOC); Breast and ovarian cancer; Hereditary breast and/or ovarian cancer syndrome; BRCA1- and BRCA2-Associated Hereditary Breast and Ovarian Cancer; Hereditary breast and ovarian cancer syndrome. Identifiers: Orphanet 145, MedGen C0677776, MeSH D061325, MONDO:0003582. Disease mechanism: loss of function.

Submissions (3):

Labcorp Genetics (formerly Invitae), Labcorp
Classification: Uncertain significance for Hereditary breast ovarian cancer syndrome. Last evaluated: 2023-09-01. Review status: criteria provided, single submitter. Criteria: Invitae Variant Classification Sherloc (09022015). Collection method: clinical testing. Allele origin: germline.
Comment: ClinVar contains an entry for this variant (Variation ID: 868145). This variant has not been reported in the literature in individuals affected with BRCA1-related conditions. This variant is not present in population databases (gnomAD no frequency). This sequence change replaces threonine, which is neutral and polar, with proline, which is neutral and non-polar, at codon 37 of the BRCA1 protein (p.Thr37Pro). Advanced modeling performed at Invitae incorporating data from internal and/or published experimental studies (PMID: 30209399) indicates that this missense variant is not expected to disrupt BRCA1 function. In summary, the available evidence is currently insufficient to determine the role of this variant in disease. Therefore, it has been classified as a Variant of Uncertain Significance. This variant disrupts the p.Thr37 amino acid residue in BRCA1. Other variant(s) that disrupt this residue have been determined to be pathogenic (PMID: 19543972, 25823446, 28664506, 30564348). This suggests that this residue is clinically significant, and that variants that disrupt this residue are likely to be disease-causing. This variant disrupts the RING domain of the BRCA1 protein, which mediates BRCA1 interactions with BARD1 and BAP1 and is important for ubiquitin ligase activity (PMID: 20029420, 25652403). While functional studies have not been performed to directly test the effect of this variant on BRCA1 protein function, this suggests that disruption of this region of the protein is causative of disease. Experimental studies have shown that this missense change does not substantially affect BRCA1 function (PMID: 30209339).

GeneDx
Classification: Uncertain significance. Last evaluated: 2023-04-04. Review status: criteria provided, single submitter. Criteria: GeneDx Variant Classification Process June 2021. Collection method: clinical testing. Allele origin: germline. Affected: yes.
Comment: In silico analysis supports that this missense variant has a deleterious effect on protein structure/function; Not observed at significant frequency in large population cohorts (gnomAD); Also known as 228A>C; This variant is associated with the following publications: (PMID: 30209399, 8944023, 20104584, 24389207)

Brotman Baty Institute, University of Washington
No classification provided (evidence only). Condition: Breast-ovarian cancer, familial 1. Review status: no classification provided. Collection method: in vitro. Allele origin: not applicable. Functional consequence: functionally_normal. Not counted in ClinVar's aggregate classification.
ClinVar note: "not provided" was previously submitted as the classification for the variant. However, the classification appeared to be based only on an observation of functional data so it was converted to no classification on 2025-07-30.

Literature cited by the submitters: PubMed 30209399 (cited by Labcorp Genetics (formerly Invitae), Labcorp); PubMed 19543972 (cited by Labcorp Genetics (formerly Invitae), Labcorp); PubMed 25823446 (cited by Labcorp Genetics (formerly Invitae), Labcorp); PubMed 28664506 (cited by Labcorp Genetics (formerly Invitae), Labcorp); PubMed 30564348 (cited by Labcorp Genetics (formerly Invitae), Labcorp); PubMed 20029420 (cited by Labcorp Genetics (formerly Invitae), Labcorp); PubMed 25652403 (cited by Labcorp Genetics (formerly Invitae), Labcorp); PubMed 30209339 (cited by Labcorp Genetics (formerly Invitae), Labcorp).

NM_007294.4(BRCA1):c.109A>C (p.Thr37Pro)

Gene: BRCA1 (BRCA1 DNA repair associated; minus strand). Cytogenetic location: 17q21.31.
Variant type: single nucleotide variant.
Coding change: c.109A>C on transcript NM_007294.4 (MANE Select); coding-DNA position 109, A replaced by C.
Protein change: p.Thr37Pro; replaces threonine 37 with proline.
Molecular consequence: missense variant. On other transcripts: non-coding transcript variant (1), intron variant (1).
Genome position (GRCh38, 1-based): chr17:43,115,751, T>G on the plus strand (A>C on the coding strand, the complement: BRCA1 is on the minus strand). VCF-style: chr17-43115751-T-G. GRCh37 (hg19) VCF-style: chr17-41267768-T-G.
Other names: c.-80A>C (NM_001407571.1, NM_001407853.1, NM_001407879.1 and 52 more transcripts); c.109A>C, p.Thr37Pro (NM_001407581.1, NM_001407582.1, NM_001407583.1 and 192 more transcripts); c.-149A>C (NM_001407694.1, NM_001407696.1, NM_001407724.1 and 13 more transcripts); c.-153A>C (NM_001407695.1, NM_001408465.1); c.-33A>C (NM_001407697.1, NM_001407725.1, NM_001407728.1 and 47 more transcripts); c.-29A>C (NM_001407841.1); c.-196A>C (NM_001407889.1, NM_001407900.1, NM_001408492.1); c.-195A>C (NM_001407960.1, NM_001407962.1, NM_001408510.1 and 1 more transcripts); and 2 more; short protein forms T37P.
Identifiers: ClinVar variation 868145 (VCV000868145.7), dbSNP rs2055253295, ClinGen allele CA10601938.